The following is an entry in ClinVar:

ClinVar aggregate classification (germline): Uncertain significance (1 of 4 stars; one submission).

Submission:

GeneDx
Classification: Uncertain significance. Last evaluated: 2014-06-17. Review status: criteria provided, single submitter. Criteria: GeneDx Variant Classification (06012015). Collection method: clinical testing. Allele origin: germline. Affected: yes.
Comment: TAAD is a genetically heterogeneous disorder characterized by aortic dilatation, aneurysms, dissections and/or aneurysms of other major arteries. Approximately 4% of patients with autosomal dominant Ehlers-Danlos syndrome, classic type, have been reported to have a mutation in the COL5A2 gene (Malfait F et al., 2011). p.Pro850Leu (CCC>CTC): c.2549 C>T in exon 38 of the COL5A2 gene (NM_000393.3)A variant of unknown significance has been identified in the COL5A2 gene. The P850L variant has not been published as a mutation, nor has it been reported as a benign polymorphism to our knowledge. The P850L variant was not observed in approximately 6,500 individuals of European and African American ancestry in the NHLBI Exome Sequencing Project, indicating it is not a common benign variant in these populations. The P850L variant is a semi-conservative amino acid substitution, which may impact secondary protein structure as these residues differ in some properties. This substitution occurs at a position that is conserved across species. In silico analysis predicts this variant is probably damaging to the protein structure/function. However, no missense mutations in nearby residues have been reported in association with Ehlers-Danlos classical type, indicating that this region of the protein may be tolerant of change. Therefore, based on the currently available information, it is unclear whether this variant is a pathogenic mutation or a rare benign variantThis variant was found in TAAD.

NM_000393.5(COL5A2):c.2549C>T (p.Pro850Leu)

Gene: COL5A2 (collagen type V alpha 2 chain; minus strand). Cytogenetic location: 2q32.2.
Variant type: single nucleotide variant.
Coding change: c.2549C>T on transcript NM_000393.5 (MANE Select); coding-DNA position 2549, C replaced by T.
Protein change: p.Pro850Leu; replaces proline 850 with leucine.
Molecular consequence: missense variant.
Genome position (GRCh38, 1-based): chr2:189,053,428, G>A on the plus strand (C>T on the coding strand, the complement: COL5A2 is on the minus strand). VCF-style: chr2-189053428-G-A. GRCh37 (hg19) VCF-style: chr2-189918154-G-A.
Other names: p.P850L:CCC>CTC; short protein forms P850L.
Identifiers: ClinVar variation 213108 (VCV000213108.2), dbSNP rs863223493, ClinGen allele CA322401.